The following is an entry in ClinVar:

NM_000137.4(FAH):c.372C>A (p.Tyr124Ter)

Gene: FAH (fumarylacetoacetate hydrolase; plus strand). Cytogenetic location: 15q25.1.
Variant type: single nucleotide variant.
Coding change: c.372C>A on transcript NM_000137.4 (MANE Select); coding-DNA position 372, C replaced by A.
Protein change: p.Tyr124Ter; replaces tyrosine 124 with a stop codon.
Molecular consequence: nonsense.
Genome position (GRCh38, 1-based): chr15:80,162,253, C>A. VCF-style: chr15-80162253-C-A. GRCh37 (hg19) VCF-style: chr15-80454595-C-A.
Other names: c.372C>A, p.Tyr124Ter (NM_001374377.1, NM_001374380.1); short protein forms Y124*.
Identifiers: ClinVar variation 1075997 (VCV001075997.7), dbSNP rs1193030161, ClinGen allele CA393619324.

ClinVar aggregate classification (germline): Pathogenic (1 of 4 stars; one submission).

Conditions:
Tyrosinemia type I (TYRSN1). Also called: HEPATORENAL TYROSINEMIA; Tyrosinemia type 1; Fumarylacetoacetase deficiency; Deficiency of fumarylacetoacetase; FAH DEFICIENCY. Identifiers: Orphanet 882, MedGen C0268490, MONDO:0010161, OMIM 276700. Disease mechanism: loss of function.

Allele frequency attached by ClinVar (database versions not stated): gnomAD 0.00001.

Submission:

Labcorp Genetics (formerly Invitae), Labcorp
Classification: Pathogenic for Tyrosinemia type I. Last evaluated: 2020-07-16. Review status: criteria provided, single submitter. Criteria: Invitae Variant Classification Sherloc (09022015). Collection method: clinical testing. Allele origin: germline.
Comment: For these reasons, this variant has been classified as Pathogenic. Loss-of-function variants in FAH are known to be pathogenic (PMID: 9101289, 9633815). This variant has not been reported in the literature in individuals with FAH-related conditions. This variant is not present in population databases (ExAC no frequency). This sequence change creates a premature translational stop signal (p.Tyr124*) in the FAH gene. It is expected to result in an absent or disrupted protein product.

Literature cited by the submitters: PubMed 9101289; PubMed 9633815.